The following is an entry in ClinVar:

ClinVar aggregate classification (germline): Uncertain significance (1 of 4 stars; one submission).

Allele frequency attached by ClinVar (database versions not stated): gnomAD exomes below 0.00001 and 0.00001; TOPMed below 0.00001; ExAC 0.00001; gnomAD 0.00001.
gnomAD v4.1: 6 of 1,613,810 alleles (0.00037%); highest among the groups gnomAD compares: East Asian, 0.0045%; no homozygotes.

Submission:

Labcorp Genetics (formerly Invitae), Labcorp
Classification: Uncertain significance. Last evaluated: 2021-08-07. Review status: criteria provided, single submitter. Criteria: Invitae Variant Classification Sherloc (09022015). Collection method: clinical testing. Allele origin: germline.
Comment: This sequence change replaces tryptophan with arginine at codon 889 of the MYO18B protein (p.Trp889Arg). The tryptophan residue is weakly conserved and there is a moderate physicochemical difference between tryptophan and arginine. This variant is present in population databases (rs777553992, ExAC 0.001%). This variant has not been reported in the literature in individuals affected with MYO18B-related conditions. Algorithms developed to predict the effect of missense changes on protein structure and function output the following: SIFT: "Not Available"; PolyPhen-2: "Benign"; Align-GVGD: "Not Available". The arginine amino acid residue is found in multiple mammalian species, which suggests that this missense change does not adversely affect protein function. In summary, the available evidence is currently insufficient to determine the role of this variant in disease. Therefore, it has been classified as a Variant of Uncertain Significance.

NM_032608.7(MYO18B):c.2665T>C (p.Trp889Arg)

Gene: MYO18B (myosin XVIIIB; plus strand). Cytogenetic location: 22q12.1.
Variant type: single nucleotide variant.
Coding change: c.2665T>C on transcript NM_032608.7 (MANE Select); coding-DNA position 2665, T replaced by C.
Protein change: p.Trp889Arg; replaces tryptophan 889 with arginine.
Molecular consequence: missense variant.
Genome position (GRCh38, 1-based): chr22:25,823,648, T>C. VCF-style: chr22-25823648-T-C. GRCh37 (hg19) VCF-style: chr22-26219615-T-C.
Other names: c.2665T>C, p.Trp889Arg (NM_001318245.2); short protein forms W889R.
Identifiers: ClinVar variation 1380812 (VCV001380812.3), dbSNP rs777553992, ClinGen allele CA10160258.